The following is an entry in ClinVar:

ClinVar aggregate classification (germline): Likely benign (1 of 4 stars; one submission).

gnomAD v4.1: 8 of 1,614,206 alleles (0.0005%); highest among the groups gnomAD compares: Non-Finnish European, 0.00068%; no homozygotes.

Submission:

CeGaT Center for Human Genetics Tuebingen
Classification: Likely benign. Last evaluated: 2025-04-01. Review status: criteria provided, single submitter. Criteria: CeGaT Center For Human Genetics Tuebingen Variant Classification Criteria Version 2. Collection method: clinical testing. Allele origin: germline. Affected: yes. Observed: 1 variant allele.
Comment: HIVEP2: BP4

NM_006734.4(HIVEP2):c.172A>G (p.Thr58Ala)

Gene: HIVEP2 (HIVEP zinc finger 2; minus strand). Cytogenetic location: 6q24.2.
Variant type: single nucleotide variant.
Coding change: c.172A>G on transcript NM_006734.4 (MANE Select); coding-DNA position 172, A replaced by G.
Protein change: p.Thr58Ala; replaces threonine 58 with alanine.
Molecular consequence: missense variant.
Genome position (GRCh38, 1-based): chr6:142,774,567, T>C on the plus strand (A>G on the coding strand, the complement: HIVEP2 is on the minus strand). VCF-style: chr6-142774567-T-C. GRCh37 (hg19) VCF-style: chr6-143095704-T-C.
Other names: short protein forms T58A.
Identifiers: ClinVar variation 3898645 (VCV003898645.7).